The following is an entry in ClinVar:

ClinVar aggregate classification (germline): Pathogenic/Likely pathogenic. Review status: criteria provided, multiple submitters, no conflicts (2 of 4 stars). 3 submissions from 3 submitters: Pathogenic (2); Likely pathogenic (1). Last evaluated 2026-08-12.

Conditions:
DNAH11-related disorder. Also called: DNAH11-related condition.
Primary ciliary dyskinesia 7. Also called: CILIARY DYSKINESIA, PRIMARY, 7, WITH OR WITHOUT SITUS INVERSUS. Identifiers: Orphanet 244, MedGen C2678473, MONDO:0012748, OMIM 611884.
Primary ciliary dyskinesia. Also called: Ciliary dyskinesia. Identifiers: Orphanet 244, MedGen C0008780, MONDO:0016575, HP:0012265.

Submissions (3):

PreventionGenetics, part of Exact Sciences
Classification: Pathogenic for DNAH11-related condition. Last evaluated: 2026-08-12. Review status: criteria provided, single submitter. Criteria: ACMG Guidelines, 2015. Collection method: clinical testing. Allele origin: germline.
Comment: The DNAH11 c.9113_9116delAAGA variant is predicted to result in a frameshift and premature protein termination (p.Lys3038Thrfs*14). This variant has been reported in the heterozygous state in an individual with primary ciliary dyskinesia (Knowles et al. 2011. PubMed ID: 22184204). This variant is reported in 0.0074% of alleles in individuals of African descent in gnomAD and is classified as likely pathogenic or pathogenic in ClinVar (Variation ID: 2734977). Frameshift variants in DNAH11 are expected to be pathogenic. This variant is interpreted as pathogenic.

Labcorp Genetics (formerly Invitae), Labcorp
Classification: Pathogenic for Primary ciliary dyskinesia. Last evaluated: 2025-12-16. Review status: criteria provided, single submitter. Criteria: Invitae Variant Classification Sherloc (09022015). Collection method: clinical testing. Allele origin: germline.
Comment: This sequence change creates a premature translational stop signal (p.Lys3038Thrfs*14) in the DNAH11 gene. It is expected to result in an absent or disrupted protein product. Loss-of-function variants in DNAH11 are known to be pathogenic (PMID: 18022865, 20513915, 22184204). This variant is present in population databases (no rsID available, gnomAD 0.007%). This premature translational stop signal has been observed in individual(s) with clinical features of primary ciliary dyskinesia (PMID: 21270641). ClinVar contains an entry for this variant (Variation ID: 2734977). For these reasons, this variant has been classified as Pathogenic.

Broad Center for Mendelian Genomics, Broad Institute of MIT and Harvard
Classification: Likely pathogenic for Primary ciliary dyskinesia 7. Last evaluated: 2025-02-19. Review status: criteria provided, single submitter. Criteria: ACMG Guidelines, 2015. Collection method: curation. Allele origin: germline. Inheritance: Autosomal recessive inheritance.
Comment: The p.Lys3038ThrfsTer14 variant in DNAH11 has been reported in 1 individual with primary ciliary dyskinesia (PMID: 2127064), and has been identified in 0.001% (1/74144) of African/African American chromosomes by the Genome Aggregation Database (gnomAD; dbSNPrs72657376). Although this variant has been seen in the general population in a heterozygous state, its frequency is low enough to be consistent with a recessive carrier frequency. This variant is predicted to cause a frameshift, which alters the protein's amino acid sequence beginning at position 3038 and leads to a premature termination codon 14 amino acids downstream. This alteration is then predicted to lead to a truncated or absent protein. Loss of function of the DNAH11 is an established disease mechanism in autosomal recessive primary ciliary dyskinesia. In summary, although additional studies are required to fully establish its clinical significance, this variant is likely pathogenic for autosomal recessive primary ciliary dyskinesia. ACMG/AMP Criteria applied: PVS1, PM2_supporting (Richards 2015).

Literature cited by the submitters: PubMed 18022865 (cited by Labcorp Genetics (formerly Invitae), Labcorp); PubMed 20513915 (cited by Labcorp Genetics (formerly Invitae), Labcorp); PubMed 22184204 (cited by Labcorp Genetics (formerly Invitae), Labcorp); PubMed 21270641 (cited by Labcorp Genetics (formerly Invitae), Labcorp).

NM_001277115.2(DNAH11):c.9113_9116del (p.Lys3038fs)

Gene: DNAH11 (dynein axonemal heavy chain 11; plus strand). Cytogenetic location: 7p15.3.
Variant type: Deletion.
Coding change: c.9113_9116del on transcript NM_001277115.2 (MANE Select); coding-DNA positions 9113 to 9116, 4 bases deleted (AAGA; older notation c.9113_9116delAAGA).
Protein change: p.Lys3038fs; shifts the reading frame from lysine 3038.
Molecular consequence: frameshift variant.
Genome position (GRCh38, 1-based): chr7:21,773,776-21,773,779, AAGA deleted; deleting any 4 consecutive bases within chr7:21,773,775-21,773,779 gives the same sequence; the c. name uses the placement nearest the transcript's 3' end. VCF-style (leftmost placement, unchanged base first): chr7-21773774-CAAAG-C. GRCh37 (hg19) VCF-style: chr7-21813392-CAAAG-C.
Other names: NM_001277115.2:c.9113_9116del; c.9113_9116delAAGA (NM_001277115.1); c.9134_9137delAAGA, p.Lys3045Thrfs (NM_003777.3); short protein forms K3038fs.
Identifiers: ClinVar variation 2734977 (VCV002734977.5), dbSNP rs1238389932, ClinGen allele CA573292626.